The following is an entry in ClinVar:

ClinVar aggregate classification (germline): Uncertain significance (1 of 4 stars; one submission).

Conditions:
Neuropathy, hereditary sensory and autonomic, type 2A (HSAN2A). Also called: HSAN IIA; MORVAN DISEASE; NEUROPATHY, CONGENITAL SENSORY; NEUROPATHY, HEREDITARY SENSORY RADICULAR, AUTOSOMAL RECESSIVE; NEUROPATHY, HEREDITARY SENSORY, TYPE IIA; NEUROPATHY, PROGRESSIVE SENSORY, OF CHILDREN. Identifiers: Orphanet 970, MedGen C2752089, MONDO:0024309, OMIM 201300.
Generalized epilepsy with febrile seizures plus, type 7 (GEFSP7). Also called: GEFS+, TYPE 7. Identifiers: Orphanet 36387, MedGen C2751778, MONDO:0013470, OMIM 613863.

gnomAD v4.1: 15 of 1,614,138 alleles (0.00093%); highest among the groups gnomAD compares: Non-Finnish European, 0.0013%; no homozygotes.

Submission:

Labcorp Genetics (formerly Invitae), Labcorp
Classification: Uncertain significance for Neuropathy, hereditary sensory and autonomic, type 2A; Generalized epilepsy with febrile seizures plus, type 7. Last evaluated: 2024-04-13. Review status: criteria provided, single submitter. Criteria: Invitae Variant Classification Sherloc (09022015). Collection method: clinical testing. Allele origin: germline.
Comment: This sequence change replaces arginine, which is basic and polar, with proline, which is neutral and non-polar, at codon 1837 of the SCN9A protein (p.Arg1837Pro). This variant is not present in population databases (gnomAD no frequency). This variant has not been reported in the literature in individuals affected with SCN9A-related conditions. ClinVar contains an entry for this variant (Variation ID: 2194626). Advanced modeling of protein sequence and biophysical properties (such as structural, functional, and spatial information, amino acid conservation, physicochemical variation, residue mobility, and thermodynamic stability) has been performed at Invitae for this missense variant, however the output from this modeling did not meet the statistical confidence thresholds required to predict the impact of this variant on SCN9A protein function. In summary, the available evidence is currently insufficient to determine the role of this variant in disease. Therefore, it has been classified as a Variant of Uncertain Significance.

NM_001365536.1(SCN9A):c.5543G>C (p.Arg1848Pro)

Genes: SCN1A-AS1 (SCN1A and SCN9A antisense RNA 1; plus strand), SCN9A (sodium voltage-gated channel alpha subunit 9; minus strand). Cytogenetic location: 2q24.3.
Variant type: single nucleotide variant.
Coding change: c.5543G>C on transcript NM_001365536.1 (MANE Select); coding-DNA position 5543, G replaced by C.
Protein change: p.Arg1848Pro; replaces arginine 1848 with proline.
Molecular consequence: missense variant.
Genome position (GRCh38, 1-based): chr2:166,199,096, C>G on the plus strand (G>C on the coding strand, the complement: SCN9A is on the minus strand). VCF-style: chr2-166199096-C-G. GRCh37 (hg19) VCF-style: chr2-167055606-C-G.
Other names: c.5510G>C, p.Arg1837Pro (NM_002977.4); short protein forms R1837P, R1848P.
Identifiers: ClinVar variation 2194626 (VCV002194626.4), dbSNP rs199705100, ClinGen allele CA59783317.
Genomic context (GRCh38, chr2:166,199,096, plus strand): 5'-ATGAACCTTTCTTCCATCTGTGAACGAAGAGAATCCATCTCCCCACTCTCACCCAAAACA[C>G]GCTTTGTAAAAGCAAATAAGATGTCAAGACAATGGATCCGGTCACCACTAACCATGGGCA-3'
Protein context (NP_001352465.1, residues 1838-1858): CLDILFAFTK[Arg1848Pro]VLGESGEMDS